The following is an entry in ClinVar:

NM_001201543.2(FAM161A):c.1453G>A (p.Glu485Lys)

Gene: FAM161A (FAM161 centrosomal protein A; minus strand). Cytogenetic location: 2p15.
Variant type: single nucleotide variant.
Coding change: c.1453G>A on transcript NM_001201543.2 (MANE Select); coding-DNA position 1453, G replaced by A.
Protein change: p.Glu485Lys; replaces glutamic acid 485 with lysine.
Molecular consequence: missense variant. On other transcripts: non-coding transcript variant (1).
Genome position (GRCh38, 1-based): chr2:61,839,551, C>T on the plus strand (G>A on the coding strand, the complement: FAM161A is on the minus strand). VCF-style: chr2-61839551-C-T. GRCh37 (hg19) VCF-style: chr2-62066686-C-T.
Other names: c.1453G>A, p.Glu485Lys (NM_032180.3); c.1453G>A (NM_001201543.1); short protein forms E485K.
Identifiers: ClinVar variation 1000501 (VCV001000501.10), dbSNP rs755420596, ClinGen allele CA1679156.

ClinVar aggregate classification (germline): Uncertain significance. Review status: criteria provided, multiple submitters, no conflicts (2 of 4 stars). 4 submissions from 4 submitters: Uncertain significance (4). Last evaluated 2026-03-31.

Conditions:
FAM161A-related disorder. Also called: FAM161A-related condition.
Inborn genetic diseases. Identifiers: MedGen C0950123, MeSH D030342.

Allele frequency attached by ClinVar (database versions not stated): gnomAD exomes below 0.00001 and 0.00001; TOPMed below 0.00001; ExAC 0.00001; gnomAD 0.00001.
gnomAD v4.1: 6 of 1,614,058 alleles (0.00037%); highest among the groups gnomAD compares: South Asian, 0.0055%; no homozygotes.

Submissions (4):

PreventionGenetics, part of Exact Sciences
Classification: Uncertain significance for FAM161A-related condition. Last evaluated: 2026-03-31. Review status: criteria provided, single submitter. Criteria: ACMG Guidelines, 2015. Collection method: clinical testing. Allele origin: germline.
Comment: The FAM161A c.1453G>A variant is predicted to result in the amino acid substitution p.Glu485Lys. To our knowledge, this variant has not been reported in the literature. This variant is reported in 0.0065% of alleles in individuals of South Asian descent in gnomAD. At this time, the clinical significance of this variant is uncertain due to the absence of conclusive functional and genetic evidence.

Ambry Genetics
Classification: Uncertain significance for Inborn genetic diseases. Last evaluated: 2024-03-08. Review status: criteria provided, single submitter. Criteria: Ambry Variant Classification Scheme 2023. Collection method: clinical testing. Allele origin: germline.

Blueprint Genetics
Classification: Uncertain significance. Last evaluated: 2023-02-06. Review status: criteria provided, single submitter. Criteria: ACMG Guidelines, 2015. Collection method: clinical testing. Allele origin: germline.

Labcorp Genetics (formerly Invitae), Labcorp
Classification: Uncertain significance. Last evaluated: 2022-03-10. Review status: criteria provided, single submitter. Criteria: Invitae Variant Classification Sherloc (09022015). Collection method: clinical testing. Allele origin: germline.
Comment: This sequence change replaces glutamic acid, which is acidic and polar, with lysine, which is basic and polar, at codon 485 of the FAM161A protein (p.Glu485Lys). This variant is present in population databases (rs755420596, gnomAD 0.006%). This variant has not been reported in the literature in individuals affected with FAM161A-related conditions. ClinVar contains an entry for this variant (Variation ID: 1000501). Algorithms developed to predict the effect of missense changes on protein structure and function are either unavailable or do not agree on the potential impact of this missense change (SIFT: "Tolerated"; PolyPhen-2: "Possibly Damaging"; Align-GVGD: "Class C0"). In summary, the available evidence is currently insufficient to determine the role of this variant in disease. Therefore, it has been classified as a Variant of Uncertain Significance.